The following is an entry in ClinVar:

ClinVar aggregate classification (germline): Conflicting classifications of pathogenicity. Review status: criteria provided, conflicting classifications (1 of 4 stars). 3 submissions from 3 submitters: Uncertain significance (1); Likely benign (2). Last evaluated 2025-12-01.

Conditions:
FG syndrome (FGS). Identifiers: MedGen C0220769, MONDO:0002010.
Familial thoracic aortic aneurysm and aortic dissection (TAAD). Also called: Thoracic aortic aneurysms and dissections. Identifiers: Orphanet 91387, MedGen C4707243, MONDO:0019625.

Submissions (3):

Labcorp Genetics (formerly Invitae), Labcorp
Classification: Uncertain significance for FG syndrome. Last evaluated: 2025-12-01. Review status: criteria provided, single submitter. Criteria: Invitae Variant Classification Sherloc (09022015). Collection method: clinical testing. Allele origin: germline.
Comment: This variant, c.6315_6320dup, results in the insertion of 2 amino acid(s) of the MED12 protein (p.Gln2114_Gln2115dup), but otherwise preserves the integrity of the reading frame. The frequency data for this variant in the population databases is considered unreliable, as metrics indicate poor data quality at this position in the gnomAD database. This variant has not been reported in the literature in individuals affected with MED12-related conditions. Experimental studies and prediction algorithms are not available or were not evaluated, and the functional significance of this variant is currently unknown. In summary, the available evidence is currently insufficient to determine the role of this variant in disease. Therefore, it has been classified as a Variant of Uncertain Significance.

Ambry Genetics
Classification: Likely benign for Familial thoracic aortic aneurysm and aortic dissection. Last evaluated: 2025-02-13. Review status: criteria provided, single submitter. Criteria: Ambry Variant Classification Scheme 2023. Collection method: clinical testing. Allele origin: germline.

Center for Pediatric Genomic Medicine, Children's Mercy Hospital and Clinics
Classification: Likely benign. Last evaluated: 2017-06-15. Review status: criteria provided, single submitter. Criteria: ACMG Guidelines, 2015. Collection method: clinical testing. Allele origin: germline.

NM_005120.3(MED12):c.6309ACAGCA[3] (p.Gln2114_Gln2115dup)

Gene: MED12 (mediator complex subunit 12; plus strand). Cytogenetic location: Xq13.1.
Variant type: Microsatellite.
Coding change: c.6309ACAGCA[3] on transcript NM_005120.3 (MANE Select); three copies in a row of the 6-base unit ACAGCA starting at c.6309; the reference has two copies in a row; one copy, 6 bases duplicated.
Protein change: p.Gln2114_Gln2115dup.
Molecular consequence: inframe insertion.
Genome position (GRCh38, 1-based): chrX:71,141,277-71,141,282, ACAGCA duplicated; duplicating any 6 consecutive bases within chrX:71,141,266-71,141,282 gives the same sequence; the position shown is the placement nearest the transcript's 3' end. VCF-style (leftmost placement, unchanged base first): chrX-71141265-G-GCAGCAA. GRCh37 (hg19) VCF-style: chrX-70361115-G-GCAGCAA.
Identifiers: ClinVar variation 445536 (VCV000445536.14), dbSNP rs764789036, ClinGen allele CA641958671.